The following is an entry in ClinVar:

NM_005654.6(NR2F1):c.266G>A (p.Cys89Tyr)

Genes: NR2F1 (nuclear receptor subfamily 2 group F member 1; plus strand), NR2F1-AS1 (NR2F1 regulatory antisense RNA 1; minus strand). Cytogenetic location: 5q15.
Variant type: single nucleotide variant.
Coding change: c.266G>A on transcript NM_005654.6 (MANE Select); coding-DNA position 266, G replaced by A.
Protein change: p.Cys89Tyr; replaces cysteine 89 with tyrosine.
Molecular consequence: missense variant.
Genome position (GRCh38, 1-based): chr5:93,585,289, G>A. VCF-style: chr5-93585289-G-A. GRCh37 (hg19) VCF-style: chr5-92920995-G-A.
Other names: NM_005654.6(NR2F1):c.266G>A; p.Cys89Tyr; short protein forms C89Y.
Identifiers: ClinVar variation 2441915 (VCV002441915.3), dbSNP rs2480802060, ClinGen allele CA360525884.

ClinVar aggregate classification (germline): Conflicting classifications of pathogenicity. Review status: criteria provided, conflicting classifications (1 of 4 stars). 3 submissions from 3 submitters: Likely pathogenic (2); Uncertain significance (1). Last evaluated 2024-06-19.

Conditions:
Epilepsy. Also called: Seizure disorder. Identifiers: MedGen C0014544, MeSH D004827, MONDO:0005027.
Bosch-Boonstra-Schaaf optic atrophy syndrome (BBSOAS). Also called: NR2F1-Related Neurodevelopmental Disorder. Identifiers: Orphanet 401777, MedGen C3810363, MONDO:0014320, OMIM 615722.

Submissions (3):

Broad Center for Mendelian Genomics, Broad Institute of MIT and Harvard
Classification: Likely pathogenic for Bosch-Boonstra-Schaaf optic atrophy syndrome. Last evaluated: 2024-06-19. Review status: criteria provided, single submitter. Criteria: ACMG Guidelines, 2015. Collection method: curation. Allele origin: germline. Inheritance: Autosomal dominant inheritance. Study: GREGoR Consortium.
Comment: Trio exome analysis showed this variant to be de novo. The p.Cys89Tyr variant in NR2F1 has not been previously reported in the literature in individuals with NR2F1 and was absent from large population studies. This variant has also been reported in ClinVar (Variation ID: 2441915) and has been interpreted as likely pathogenic by Baylor Genetics. Computational prediction tools and conservation analyses suggest that this variant may impact the protein, though this information is not predictive enough to determine pathogenicity. The p.Cys89Tyr variant is located in a region of NR2F1 that is essential to protein folding and stability, suggesting that this variant is in a functional domain and slightly supports pathogenicity (PMID: 24462372). The number of missense variants reported in NR2F1 in the general population is lower than expected, suggesting there is little benign variation in this gene and slightly increasing the possibility that a missense variant in this gene may not be tolerated. In summary, although additional studies are required to fully establish its clinical significance, this variant is likely pathogenic for autosomal dominant Bosch-Boonstra-Schaaf optic atrophy syndrome. ACMG/AMP Criteria applied: PP3_moderate, PP2, PM1_supporting, PM2_supporting, PS2_supporting (Richards 2015).

Baylor Genetics
Classification: Likely pathogenic for Bosch-Boonstra-Schaaf optic atrophy syndrome. Last evaluated: 2021-03-18. Review status: criteria provided, single submitter. Criteria: ACMG Guidelines, 2015. Collection method: clinical testing. Allele origin: unknown.

Cambridge Genomics Laboratory, East Genomic Laboratory Hub, NHS Genomic Medicine Service
Classification: Uncertain significance for Epilepsy. Last evaluated: 2020-05-27. Review status: criteria provided, single submitter. Criteria: ACGS Best Practice Guidelines for Variant Classification in Rare Disease 2020. Collection method: clinical testing. Allele origin: germline. Affected: yes. Observed: 1 variant allele.

Literature cited by the submitters: PubMed 24462372 (cited by Broad Center for Mendelian Genomics, Broad Institute of MIT and Harvard).